The following is an entry in ClinVar:

ClinVar aggregate classification (germline): Likely benign (0 of 4 stars; one submission).

Conditions:
COL6A2-related disorder.

Allele frequency attached by ClinVar (database versions not stated): gnomAD exomes below 0.00001; TOPMed 0.00001.
gnomAD v4.1: 3 of 1,613,326 alleles (0.00019%); highest among the groups gnomAD compares: African/African-American, 0.004%; no homozygotes.

Submission:

PreventionGenetics, part of Exact Sciences
Classification: Likely benign for COL6A2-related condition. Last evaluated: 2020-08-20. Review status: no assertion criteria provided. Collection method: clinical testing. Allele origin: germline.
Comment: This variant is classified as likely benign based on ACMG/AMP sequence variant interpretation guidelines (Richards et al. 2015 PMID: 25741868, with internal and published modifications).

NM_001849.4(COL6A2):c.735+27T>G

Gene: COL6A2 (collagen type VI alpha 2 chain; plus strand). Cytogenetic location: 21q22.3.
Variant type: single nucleotide variant.
Coding change: c.735+27T>G on transcript NM_001849.4 (MANE Select); 27 bases into the intron after coding-DNA position 735, T replaced by G.
Molecular consequence: intron variant.
Genome position (GRCh38, 1-based): chr21:46,112,851, T>G. VCF-style: chr21-46112851-T-G. GRCh37 (hg19) VCF-style: chr21-47532765-T-G.
Other names: c.735+27T>G (NM_058175.3, NM_058174.3).
Identifiers: ClinVar variation 3032825 (VCV003032825.2), dbSNP rs2078424293, ClinGen allele CA2392498855.